The following is an entry in ClinVar:

ClinVar aggregate classification (germline): Uncertain significance. Review status: criteria provided, multiple submitters, no conflicts (2 of 4 stars). 2 submissions from 2 submitters: Uncertain significance (2). Last evaluated 2025-09-26.

Conditions:
Inborn genetic diseases. Identifiers: MedGen C0950123, MeSH D030342.

Allele frequency attached by ClinVar (database versions not stated): ExAC 0.00001; TOPMed 0.00001.
gnomAD v4.1: 1 of 1,614,040 alleles (0.000062%); highest among the groups gnomAD compares: South Asian, 0.0011%; no homozygotes.

Submissions (2):

Ambry Genetics
Classification: Uncertain significance for Inborn genetic diseases. Last evaluated: 2025-09-26. Review status: criteria provided, single submitter. Criteria: Ambry Variant Classification Scheme 2023. Collection method: clinical testing. Allele origin: germline.

Labcorp Genetics (formerly Invitae), Labcorp
Classification: Uncertain significance. Last evaluated: 2024-12-07. Review status: criteria provided, single submitter. Criteria: Invitae Variant Classification Sherloc (09022015). Collection method: clinical testing. Allele origin: germline.
Comment: This sequence change replaces glutamic acid, which is acidic and polar, with glutamine, which is neutral and polar, at codon 592 of the PPP2R5D protein (p.Glu592Gln). This variant is present in population databases (rs759962644, gnomAD 0.003%). This variant has not been reported in the literature in individuals affected with PPP2R5D-related conditions. ClinVar contains an entry for this variant (Variation ID: 2981228). An algorithm developed to predict the effect of missense changes on protein structure and function (PolyPhen-2) suggests that this variant is likely to be disruptive. In summary, the available evidence is currently insufficient to determine the role of this variant in disease. Therefore, it has been classified as a Variant of Uncertain Significance.

NM_006245.4(PPP2R5D):c.1774G>C (p.Glu592Gln)

Genes: MEA1 (male-enhanced antigen 1; minus strand), PPP2R5D (protein phosphatase 2 regulatory subunit B'delta; plus strand). Cytogenetic location: 6p21.1.
Variant type: single nucleotide variant.
Coding change: c.1774G>C on transcript NM_006245.4 (MANE Select); coding-DNA position 1774, G replaced by C.
Protein change: p.Glu592Gln; replaces glutamic acid 592 with glutamine.
Molecular consequence: missense variant. On other transcripts: 3 prime UTR variant (1).
Genome position (GRCh38, 1-based): chr6:43,011,251, G>C. VCF-style: chr6-43011251-G-C. GRCh37 (hg19) VCF-style: chr6-42978989-G-C.
Other names: c.*1219C>G (NM_014623.4); c.1321G>C, p.Glu441Gln (NM_001270476.2); c.1678G>C, p.Glu560Gln (NM_180976.3); c.1456G>C, p.Glu486Gln (NM_180977.3); c.1774G>C (NM_006245.2); short protein forms E486Q, E441Q, E560Q, E592Q.
Identifiers: ClinVar variation 2981228 (VCV002981228.4), dbSNP rs759962644, ClinGen allele CA3812170.